The following is an entry in ClinVar:

ClinVar aggregate classification (germline): Uncertain significance. Review status: criteria provided, multiple submitters, no conflicts (2 of 4 stars). 2 submissions from 2 submitters: Uncertain significance (2). Last evaluated 2026-03-15.

Conditions:
Myofibrillar myopathy 5. Also called: Filaminopathy (type); FILAMINOPATHY, AUTOSOMAL DOMINANT. Identifiers: Orphanet 171445, MedGen C1836050, MONDO:0012289, OMIM 609524.
Distal myopathy with posterior leg and anterior hand involvement. Also called: WILLIAMS DISTAL MYOPATHY. Identifiers: Orphanet 63273, MedGen C3279722, MONDO:0013550, OMIM 614065.
Hypertrophic cardiomyopathy 26. Also called: Cardiomyopathy, familial hypertrophic, 26. Identifiers: Orphanet 75249, MedGen C4310749, MONDO:0014883, OMIM 617047.

Allele frequency attached by ClinVar (database versions not stated): gnomAD exomes below 0.00001; TOPMed below 0.00001; ExAC 0.00001.
gnomAD v4.1: 1 of 1,614,110 alleles (0.000062%); highest among the groups gnomAD compares: Non-Finnish European, 0.000085%; no homozygotes.

Submissions (2):

Women's Health and Genetics/Laboratory Corporation of America, LabCorp
Classification: Uncertain significance. Last evaluated: 2026-03-15. Review status: criteria provided, single submitter. Criteria: LabCorp Variant Classification Summary - May 2015. Collection method: clinical testing. Allele origin: germline.

Labcorp Genetics (formerly Invitae), Labcorp
Classification: Uncertain significance for Distal myopathy with posterior leg and anterior hand involvement; Myofibrillar myopathy 5; Hypertrophic cardiomyopathy 26. Last evaluated: 2025-05-23. Review status: criteria provided, single submitter. Criteria: Invitae Variant Classification Sherloc (09022015). Collection method: clinical testing. Allele origin: germline.
Comment: This sequence change replaces glutamine, which is neutral and polar, with arginine, which is basic and polar, at codon 972 of the FLNC protein (p.Gln972Arg). This variant is present in population databases (rs779737718, gnomAD 0.0009%). This variant has not been reported in the literature in individuals affected with FLNC-related conditions. ClinVar contains an entry for this variant (Variation ID: 1984052). Invitae Evidence Modeling of protein sequence and biophysical properties (such as structural, functional, and spatial information, amino acid conservation, physicochemical variation, residue mobility, and thermodynamic stability) has been performed for this missense variant. However, the output from this modeling did not meet the statistical confidence thresholds required to predict the impact of this variant on FLNC protein function. In summary, the available evidence is currently insufficient to determine the role of this variant in disease. Therefore, it has been classified as a Variant of Uncertain Significance.

NM_001458.5(FLNC):c.2915A>G (p.Gln972Arg)

Gene: FLNC (filamin C; plus strand). Cytogenetic location: 7q32.1.
Variant type: single nucleotide variant.
Coding change: c.2915A>G on transcript NM_001458.5 (MANE Select); coding-DNA position 2915, A replaced by G.
Protein change: p.Gln972Arg; replaces glutamine 972 with arginine.
Molecular consequence: missense variant.
Genome position (GRCh38, 1-based): chr7:128,843,899, A>G. VCF-style: chr7-128843899-A-G. GRCh37 (hg19) VCF-style: chr7-128483953-A-G.
Other names: c.2915A>G, p.Gln972Arg (NM_001127487.2); short protein forms Q972R.
Identifiers: ClinVar variation 1984052 (VCV001984052.5), dbSNP rs779737718, ClinGen allele CA4474896.